The following is an entry in ClinVar:

NM_006493.4(CLN5):c.844_845dup (p.Thr283fs)

Gene: CLN5 (CLN5 lysosomal BMP synthase; plus strand). Cytogenetic location: 13q22.3.
Variant type: Duplication.
Coding change: c.844_845dup on transcript NM_006493.4 (MANE Select); coding-DNA positions 844 to 845, 2 bases duplicated (AA; older notation c.844_845dupAA).
Protein change: p.Thr283fs; shifts the reading frame from threonine 283.
Molecular consequence: frameshift variant. On other transcripts: 3 prime UTR variant (1).
Genome position (GRCh38, 1-based): chr13:77,000,736-77,000,737, AA duplicated. VCF-style (leftmost placement, unchanged base first): chr13-77000735-C-CAA. GRCh37 (hg19) VCF-style: chr13-77574870-C-CAA.
Other names: c.*293_*294dup (NM_001366624.2); short protein forms T283fs.
Identifiers: ClinVar variation 950549 (VCV000950549.9), dbSNP rs2034346369, ClinGen allele CA1139663330.
Genomic context (GRCh38, chr13:77,000,735, plus strand): 5'-TTACAGTGGAGAACCTACTTATCTGGGAAATGAAACATCTGTTTTTGGGCCAACAGGAAA[C>CAA]AAGACTCTTGGTTTAGCCATAAAAAGATTTTATTACCCCTTCAAACCACATTTGCCAACT-3'

ClinVar aggregate classification (germline): Pathogenic (1 of 4 stars; one submission).

Conditions:
Neuronal ceroid lipofuscinosis. Also called: Neuronal Ceroid Lipofuscinoses. Identifiers: Orphanet 216, Orphanet 79263, MedGen C0027877, MONDO:0016295. Disease mechanism: loss of function.

Submission:

Labcorp Genetics (formerly Invitae), Labcorp
Classification: Pathogenic for Neuronal ceroid lipofuscinosis. Last evaluated: 2019-05-02. Review status: criteria provided, single submitter. Criteria: Invitae Variant Classification Sherloc (09022015). Collection method: clinical testing. Allele origin: germline.
Comment: This sequence change results in a premature translational stop signal in the CLN5 gene (p.Thr332Argfs*5). While this is not anticipated to result in nonsense mediated decay, it is expected to disrupt the last 76 amino acids of the CLN5 protein. This variant is not present in population databases (ExAC no frequency). This variant has not been reported in the literature in individuals with CLN5-related conditions. This variant disrupts the C-terminus of the CLN5 protein. Other variant(s) that disrupt this region (p.Tyr392*) have been determined to be pathogenic (PMID:9662406, 20052765, 11971870, 24058541, 24038957). This suggests that variants that disrupt this region of the protein are likely to be causative of disease. For these reasons, this variant has been classified as Pathogenic.

Literature cited by the submitters: PubMed 9662406; PubMed 20052765; PubMed 11971870; PubMed 24058541; PubMed 24038957.